The following is an entry in ClinVar:

NM_004171.4(SLC1A2):c.145C>G (p.Leu49Val)

Gene: SLC1A2 (solute carrier family 1 member 2; minus strand). Cytogenetic location: 11p13.
Variant type: single nucleotide variant.
Coding change: c.145C>G on transcript NM_004171.4 (MANE Select); coding-DNA position 145, C replaced by G.
Protein change: p.Leu49Val; replaces leucine 49 with valine.
Molecular consequence: missense variant.
Genome position (GRCh38, 1-based): chr11:35,317,389, G>C on the plus strand (C>G on the coding strand, the complement: SLC1A2 is on the minus strand). VCF-style: chr11-35317389-G-C. GRCh37 (hg19) VCF-style: chr11-35338936-G-C.
Other names: c.145C>G (NM_004171.3); c.118C>G, p.Leu40Val (NM_001195728.3, NM_001252652.2); short protein forms L40V, L49V.
Identifiers: ClinVar variation 3021369 (VCV003021369.4), dbSNP rs2497942345, ClinGen allele CA380131263.
Genomic context (GRCh38, chr11:35,317,389, plus strand): 5'-GAGTCCCAGAGAAGAGGGGGCTGGGGGTGGGGTAGTGCAGGTACCTACCAAACACCGTCA[G>C]GGTGAGCAGCAGATTCTTCCCCAGCTTGTCACACAGGCGCAGGCCCAGGTGCCGGTGCTT-3'
Protein context (NP_004162.2, residues 39-59): DKLGKNLLLT[Leu49Val]TVFGVILGAV

ClinVar aggregate classification (germline): Uncertain significance. Review status: criteria provided, multiple submitters, no conflicts (2 of 4 stars). 2 submissions from 2 submitters: Uncertain significance (2). Last evaluated 2024-06-25.

Allele frequency attached by ClinVar (database versions not stated): gnomAD exomes below 0.00001.
gnomAD v4.1: 1 of 1,614,134 alleles (0.000062%); highest among the groups gnomAD compares: Middle Eastern, 0.017%; no homozygotes.

Submissions (2):

GeneDx
Classification: Uncertain significance. Last evaluated: 2024-06-25. Review status: criteria provided, single submitter. Criteria: GeneDx Variant Classification Process June 2021. Collection method: clinical testing. Allele origin: germline. Affected: yes.
Comment: Not observed at significant frequency in large population cohorts (gnomAD); In silico analysis indicates that this missense variant does not alter protein structure/function; Has not been previously published as pathogenic or benign to our knowledge

Labcorp Genetics (formerly Invitae), Labcorp
Classification: Uncertain significance. Last evaluated: 2023-08-31. Review status: criteria provided, single submitter. Criteria: Invitae Variant Classification Sherloc (09022015). Collection method: clinical testing. Allele origin: germline.
Comment: This sequence change replaces leucine, which is neutral and non-polar, with valine, which is neutral and non-polar, at codon 49 of the SLC1A2 protein (p.Leu49Val). In summary, the available evidence is currently insufficient to determine the role of this variant in disease. Therefore, it has been classified as a Variant of Uncertain Significance. Advanced modeling of protein sequence and biophysical properties (such as structural, functional, and spatial information, amino acid conservation, physicochemical variation, residue mobility, and thermodynamic stability) performed at Invitae indicates that this missense variant is not expected to disrupt SLC1A2 protein function. This variant has not been reported in the literature in individuals affected with SLC1A2-related conditions. This variant is not present in population databases (gnomAD no frequency).